The following is an entry in ClinVar:

ClinVar aggregate classification (germline): Uncertain significance. Review status: criteria provided, multiple submitters, no conflicts (2 of 4 stars). 2 submissions from 2 submitters: Uncertain significance (2). Last evaluated 2024-11-29.

Conditions:
Axenfeld-Rieger syndrome type 3 (RIEG3). Also called: AXENFELD-RIEGER ANOMALY WITH CARDIAC DEFECTS AND/OR SENSORINEURAL HEARING LOSS. Identifiers: Orphanet 782, MedGen C2678503, MONDO:0011233, OMIM 602482.
Inborn genetic diseases. Identifiers: MedGen C0950123, MeSH D030342.

Submissions (2):

Ambry Genetics
Classification: Uncertain significance for Inborn genetic diseases. Last evaluated: 2024-11-29. Review status: criteria provided, single submitter. Criteria: Ambry Variant Classification Scheme 2023. Collection method: clinical testing. Allele origin: germline.

Labcorp Genetics (formerly Invitae), Labcorp
Classification: Uncertain significance for Axenfeld-Rieger syndrome type 3. Last evaluated: 2024-10-30. Review status: criteria provided, single submitter. Criteria: Invitae Variant Classification Sherloc (09022015). Collection method: clinical testing. Allele origin: germline.
Comment: This sequence change replaces serine, which is neutral and polar, with leucine, which is neutral and non-polar, at codon 335 of the FOXC1 protein (p.Ser335Leu). This variant is not present in population databases (gnomAD no frequency). This variant has not been reported in the literature in individuals affected with FOXC1-related conditions. ClinVar contains an entry for this variant (Variation ID: 2314663). An algorithm developed to predict the effect of missense changes on protein structure and function (PolyPhen-2) suggests that this variant is likely to be tolerated. In summary, the available evidence is currently insufficient to determine the role of this variant in disease. Therefore, it has been classified as a Variant of Uncertain Significance.

NM_001453.3(FOXC1):c.1004C>T (p.Ser335Leu)

Gene: FOXC1 (forkhead box C1; plus strand). Cytogenetic location: 6p25.3.
Variant type: single nucleotide variant.
Coding change: c.1004C>T on transcript NM_001453.3 (MANE Select); coding-DNA position 1004, C replaced by T.
Protein change: p.Ser335Leu; replaces serine 335 with leucine.
Molecular consequence: missense variant.
Genome position (GRCh38, 1-based): chr6:1,611,449, C>T. VCF-style: chr6-1611449-C-T. GRCh37 (hg19) VCF-style: chr6-1611684-C-T.
Other names: short protein forms S335L.
Identifiers: ClinVar variation 2314663 (VCV002314663.6), dbSNP rs1762544218, ClinGen allele CA362560026.